The following is an entry in ClinVar:

NM_014630.3(ZNF592):c.468C>T (p.Asn156=)

Gene: ZNF592 (zinc finger protein 592; plus strand). Cytogenetic location: 15q25.3.
Variant type: single nucleotide variant.
Coding change: c.468C>T on transcript NM_014630.3 (MANE Select); coding-DNA position 468, C replaced by T.
Protein change: p.Asn156=; no amino-acid change (asparagine 156 retained).
Molecular consequence: synonymous variant.
Genome position (GRCh38, 1-based): chr15:84,783,143, C>T. VCF-style: chr15-84783143-C-T. GRCh37 (hg19) VCF-style: chr15-85326374-C-T.
Identifiers: ClinVar variation 3057309 (VCV003057309.2), dbSNP rs371305645, ClinGen allele CA7707996.

ClinVar aggregate classification (germline): Likely benign (0 of 4 stars; one submission).

Conditions:
ZNF592-related disorder. Also called: ZNF592-related condition.

Allele frequency attached by ClinVar (database versions not stated): gnomAD 0.00003; ESP Exome Variant Server 0.00008.
gnomAD v4.1: 25 of 1,614,048 alleles (0.0015%); highest among the groups gnomAD compares: East Asian, 0.011%; no homozygotes.

Submission:

PreventionGenetics, part of Exact Sciences
Classification: Likely benign for ZNF592-related condition. Last evaluated: 2019-02-21. Review status: no assertion criteria provided. Collection method: clinical testing. Allele origin: germline.
Comment: This variant is classified as likely benign based on ACMG/AMP sequence variant interpretation guidelines (Richards et al. 2015 PMID: 25741868, with internal and published modifications).